The following is an entry in ClinVar:

NM_001042492.3(NF1):c.3831C>T (p.Gly1277=)

Gene: NF1 (neurofibromin 1; plus strand). Cytogenetic location: 17q11.2.
Variant type: single nucleotide variant.
Coding change: c.3831C>T on transcript NM_001042492.3 (MANE Select); coding-DNA position 3831, C replaced by T.
Protein change: p.Gly1277=; no amino-acid change (glycine 1277 retained).
Molecular consequence: synonymous variant.
Genome position (GRCh38, 1-based): chr17:31,235,733, C>T. VCF-style: chr17-31235733-C-T. GRCh37 (hg19) VCF-style: chr17-29562751-C-T.
Other names: c.3831C>T, p.Gly1277= (NM_000267.4).
Identifiers: ClinVar variation 803354 (VCV000803354.32), dbSNP rs1597722611, ClinGen allele CA499232612.

ClinVar aggregate classification (germline): Conflicting classifications of pathogenicity. Review status: criteria provided, conflicting classifications (1 of 4 stars). 6 submissions from 6 submitters: Pathogenic (1); Likely pathogenic (4); Uncertain significance (1). Last evaluated 2026-01-01.

Conditions:
Neurofibromatosis, type 1 (NF1). Also called: VON RECKLINGHAUSEN DISEASE; Peripheral type neurofibromatosis; Neurofibromatosis, type I; NEUROFIBROMATOSIS, TYPE I, SOMATIC. Identifiers: MONDO:0018975, OMIM 162200, Orphanet 636, MedGen C0027831. Disease mechanism: loss of function.

Submissions (6):

CeGaT Center for Human Genetics Tuebingen
Classification: Likely pathogenic. Last evaluated: 2026-01-01. Review status: criteria provided, single submitter. Criteria: CeGaT Center For Human Genetics Tuebingen Variant Classification Criteria Version 2. Collection method: clinical testing. Allele origin: germline. Affected: yes. Observed: 2 variant alleles.
Comment: NF1: PM2, PS4:Moderate, PP3, PS3:Supporting

Mendelics
Classification: Likely pathogenic for Neurofibromatosis, type 1. Last evaluated: 2025-08-16. Review status: criteria provided, single submitter. Criteria: Mendelics Assertion Criteria 2017. Collection method: clinical testing. Allele origin: unknown.
Comment: Variant NM_001042492.3(NF1):c.3831C>T has zero populational frequency in GnomAD 4.1.0 database. SpliceAI scores showing impact in splicing. Variant associated to NF (PMID 17311297 & 10712197).

Labcorp Genetics (formerly Invitae), Labcorp
Classification: Likely pathogenic for Neurofibromatosis, type 1. Last evaluated: 2025-04-14. Review status: criteria provided, single submitter. Criteria: Invitae Variant Classification Sherloc (09022015). Collection method: clinical testing. Allele origin: germline.
Comment: This sequence change affects codon 1277 of the NF1 mRNA. It is a 'silent' change, meaning that it does not change the encoded amino acid sequence of the NF1 protein. This variant is not present in population databases (gnomAD no frequency). This variant has been observed in individual(s) with clinical features of neurofibromatosis type 1 (PMID: 10712197, 17311297). ClinVar contains an entry for this variant (Variation ID: 803354). Algorithms developed to predict the effect of sequence changes on RNA splicing suggest that this variant may disrupt the consensus splice site. In summary, the currently available evidence indicates that the variant is pathogenic, but additional data are needed to prove that conclusively. Therefore, this variant has been classified as Likely Pathogenic.

3billion
Classification: Uncertain significance for Neurofibromatosis, type 1. Last evaluated: 2023-02-23. Review status: criteria provided, single submitter. Criteria: ACMG Guidelines, 2015. Collection method: clinical testing. Allele origin: unknown. Affected: yes.
Comment: The variant is not observed in the gnomAD v2.1.1 dataset. In silico tools predict the variant to alter splicing and produce an abnormal transcript (SpliceAI: 0.67). The variant has been reported to be associated with NF1 related disorder (ClinVar ID: VCV000803354). However, the evidence of pathogenicity is insufficient at this time. Therefore, this variant is classified as VUS according to the recommendation of ACMG/AMP guideline.

GeneDx
Classification: Likely pathogenic. Last evaluated: 2022-01-04. Review status: criteria provided, single submitter. Criteria: GeneDx Variant Classification Process June 2021. Collection method: clinical testing. Allele origin: germline. Affected: yes.
Comment: Published functional studies demonstrate this variant results in abnormal splicing (Wimmer 2007); In silico analysis supports a deleterious effect on splicing; Not observed at significant frequency in large population cohorts (gnomAD); This variant is associated with the following publications: (PMID: 17311297, 10712197)

Institute of Human Genetics Munich, TUM University Hospital
Classification: Pathogenic for Neurofibromatosis, type 1. Last evaluated: 2018-07-30. Review status: criteria provided, single submitter. Criteria: Classification criteria August 2017. Collection method: clinical testing. Allele origin: maternal. Inheritance: Autosomal dominant inheritance. Affected: yes. Observed: 1 heterozygote.

Literature cited by the submitters: PubMed 17311297 (cited by Mendelics and Labcorp Genetics (formerly Invitae), Labcorp); PubMed 10712197 (cited by Mendelics and Labcorp Genetics (formerly Invitae), Labcorp).